The following is an entry in ClinVar:

NM_001382567.1(STIM1):c.57G>C (p.Gln19His)

Gene: STIM1 (stromal interaction molecule 1; plus strand). Cytogenetic location: 11p15.4.
Variant type: single nucleotide variant.
Coding change: c.57G>C on transcript NM_001382567.1 (MANE Select); coding-DNA position 57, G replaced by C.
Protein change: p.Gln19His; replaces glutamine 19 with histidine.
Molecular consequence: missense variant. On other transcripts: 5 prime UTR variant (1), non-coding transcript variant (3), intron variant (10).
Genome position (GRCh38, 1-based): chr11:3,856,327, G>C. VCF-style: chr11-3856327-G-C. GRCh37 (hg19) VCF-style: chr11-3877557-G-C.
Other names: c.57G>C, p.Gln19His (NM_001277961.3, NM_001277962.2, NM_001382568.1 and 3 more transcripts); c.53G>C, p.Arg18Thr (NM_001382569.1); c.-181G>C (NM_001382571.1); c.-84+1591G>C (NM_001382578.1, NM_001382575.1, NM_001382574.1); c.-220+1591G>C (NM_001382580.1, NM_001382581.1); c.-84+1673G>C (NM_001382576.1); c.-84+911G>C (NM_001382566.1, NM_001382579.1, NM_001382577.1 and 1 more transcripts); short protein forms Q19H, R18T.
Identifiers: ClinVar variation 461736 (VCV000461736.10), dbSNP rs1554949765, ClinGen allele CA379196381.

ClinVar aggregate classification (germline): Uncertain significance (1 of 4 stars; one submission).

Conditions:
Combined immunodeficiency due to STIM1 deficiency. Also called: IMMUNODEFICIENCY 10; STIM1 DEFICIENCY. Identifiers: Orphanet 169090, Orphanet 317430, MedGen C2748557, MONDO:0013008, OMIM 612783.
Stormorken syndrome (STRMK). Also called: THROMBOCYTOPATHY, ASPLENIA, AND MIOSIS. Identifiers: Orphanet 3204, MedGen C1861451, MONDO:0008497, OMIM 185070.
Myopathy with tubular aggregates (TAM). Also called: Tubular Aggregate Myopathy. Identifiers: Orphanet 2593, MedGen C0410207, MONDO:0008051.

Submission:

Labcorp Genetics (formerly Invitae), Labcorp
Classification: Uncertain significance for Myopathy with tubular aggregates; Combined immunodeficiency due to STIM1 deficiency; Stormorken syndrome. Last evaluated: 2016-10-16. Review status: criteria provided, single submitter. Criteria: Invitae Variant Classification Sherloc (09022015). Collection method: clinical testing. Allele origin: germline.
Comment: In summary, this variant is a novel missense change that is not predicted to affect protein function. There is no indication that it causes disease, but the available evidence is currently insufficient to prove that conclusively. Therefore, it has been classified as a Variant of Uncertain Significance. Algorithms developed to predict the effect of missense changes on protein structure and function output the following: (SIFT: "Tolerated"; PolyPhen-2: "Benign"; Align-GVGD: "Class C0"). The histidine amino acid residue is found in multiple mammalian species, suggesting that this missense change does not adversely affect protein function. These predictions have not been confirmed by published functional studies. This variant is not present in population databases (ExAC no frequency) and has not been reported in the literature in individuals with a STIM1-related disease. This sequence change replaces glutamine with histidine at codon 19 of the STIM1 protein (p.Gln19His). The glutamine residue is weakly conserved and there is a small physicochemical difference between glutamine and histidine.